The following is an entry in ClinVar:

NC_000011.9:g.(?_46880534)_(47470516_?)del

Genes: SPI1 (Spi-1 proto-oncogene; minus strand), MADD-AS1 (MADD antisense RNA 1; minus strand), LRP4 (LDL receptor related protein 4; minus strand), MADD (MAP kinase activating death domain; plus strand), ACP2 (acid phosphatase 2, lysosomal; minus strand) and 9 more. Cytogenetic location: 11p11.2.
Variant type: Deletion.
Identifiers: ClinVar variation 1459820 (VCV001459820.6).

ClinVar aggregate classification (germline): Pathogenic (1 of 4 stars; one submission).

Conditions:
Fetal akinesia deformation sequence 1 (FADS1). Also called: Pena-Shokeir syndrome type I; Fetal akinesia sequence. Identifiers: Orphanet 994, MedGen C1276035, MONDO:0100101, OMIM 208150, HP:0001989.
Congenital myasthenic syndrome 11. Also called: Myasthenic syndrome, congenital, 11, associated with acetylcholine receptor deficiency; MYASTHENIC SYNDROME, CONGENITAL, Ie. Identifiers: Orphanet 590, MedGen C4225367, MONDO:0014588, OMIM 616326.

Submission:

Labcorp Genetics (formerly Invitae), Labcorp
Classification: Pathogenic for Congenital myasthenic syndrome 11; Fetal akinesia deformation sequence 1. Last evaluated: 2021-07-30. Review status: criteria provided, single submitter. Criteria: Invitae Variant Classification Sherloc (09022015). Collection method: clinical testing. Allele origin: germline.
Comment: A gross deletion of the genomic region encompassing the full coding sequence of the RAPSN gene has been identified. Loss-of-function variants in RAPSN are known to be pathogenic (PMID: 17686188). The boundaries of this event are unknown as they extend beyond the assayed region for this gene and therefore may encompass additional genes. This variant has not been reported in the literature in individuals affected with RAPSN-related conditions. For these reasons, this variant has been classified as Pathogenic.

Literature cited by the submitters: PubMed 17686188.